The following is an entry in ClinVar:

ClinVar aggregate classification (germline): Uncertain significance (1 of 4 stars; one submission).

Submission:

Labcorp Genetics (formerly Invitae), Labcorp
Classification: Uncertain significance. Last evaluated: 2024-09-30. Review status: criteria provided, single submitter. Criteria: Invitae Variant Classification Sherloc (09022015). Collection method: clinical testing. Allele origin: germline.
Comment: This sequence change replaces tyrosine, which is neutral and polar, with phenylalanine, which is neutral and non-polar, at codon 386 of the HMCN1 protein (p.Tyr386Phe). This variant is not present in population databases (gnomAD no frequency). This variant has not been reported in the literature in individuals affected with HMCN1-related conditions. An algorithm developed to predict the effect of missense changes on protein structure and function (PolyPhen-2) suggests that this variant is likely to be disruptive. In summary, the available evidence is currently insufficient to determine the role of this variant in disease. Therefore, it has been classified as a Variant of Uncertain Significance.

NM_031935.3(HMCN1):c.1157A>T (p.Tyr386Phe)

Gene: HMCN1 (hemicentin 1; plus strand). Cytogenetic location: 1q31.1.
Variant type: single nucleotide variant.
Coding change: c.1157A>T on transcript NM_031935.3 (MANE Select); coding-DNA position 1157, A replaced by T.
Protein change: p.Tyr386Phe; replaces tyrosine 386 with phenylalanine.
Molecular consequence: missense variant.
Genome position (GRCh38, 1-based): chr1:185,923,525, A>T. VCF-style: chr1-185923525-A-T. GRCh37 (hg19) VCF-style: chr1-185892657-A-T.
Other names: short protein forms Y386F.
Identifiers: ClinVar variation 3721950 (VCV003721950.2).